The following is an entry in ClinVar:

ClinVar aggregate classification (germline): Uncertain significance (1 of 4 stars; one submission).

Conditions:
Intellectual disability. Also called: Intellectual functioning disability; intellectual disabilities; Intellectual developmental disorder. Identifiers: MedGen C3714756, MeSH D008607, MONDO:0001071, HP:0001249.

Allele frequency attached by ClinVar (database versions not stated): gnomAD exomes below 0.00001.
gnomAD v4.1: 1 of 1,614,116 alleles (0.000062%); highest among the groups gnomAD compares: Non-Finnish European, 0.000085%; no homozygotes.

Submission:

Labcorp Genetics (formerly Invitae), Labcorp
Classification: Uncertain significance for Intellectual disability. Last evaluated: 2024-01-03. Review status: criteria provided, single submitter. Criteria: Invitae Variant Classification Sherloc (09022015). Collection method: clinical testing. Allele origin: germline.
Comment: This sequence change replaces valine, which is neutral and non-polar, with leucine, which is neutral and non-polar, at codon 314 of the GABRB2 protein (p.Val314Leu). This variant is not present in population databases (gnomAD no frequency). This variant has not been reported in the literature in individuals affected with GABRB2-related conditions. Advanced modeling of protein sequence and biophysical properties (such as structural, functional, and spatial information, amino acid conservation, physicochemical variation, residue mobility, and thermodynamic stability) has been performed at Invitae for this missense variant, however the output from this modeling did not meet the statistical confidence thresholds required to predict the impact of this variant on GABRB2 protein function. In summary, the available evidence is currently insufficient to determine the role of this variant in disease. Therefore, it has been classified as a Variant of Uncertain Significance.

NM_001371727.1(GABRB2):c.940G>C (p.Val314Leu)

Gene: GABRB2 (gamma-aminobutyric acid type A receptor subunit beta2; minus strand). Cytogenetic location: 5q34.
Variant type: single nucleotide variant.
Coding change: c.940G>C on transcript NM_001371727.1 (MANE Select); coding-DNA position 940, G replaced by C.
Protein change: p.Val314Leu; replaces valine 314 with leucine.
Molecular consequence: missense variant.
Genome position (GRCh38, 1-based): chr5:161,331,020, C>G on the plus strand (G>C on the coding strand, the complement: GABRB2 is on the minus strand). VCF-style: chr5-161331020-C-G. GRCh37 (hg19) VCF-style: chr5-160758027-C-G.
Other names: c.940G>C, p.Val314Leu (NM_000813.3, NM_021911.3); short protein forms V314L.
Identifiers: ClinVar variation 2707130 (VCV002707130.3), dbSNP rs2546555578, ClinGen allele CA362175287.